The following is an entry in ClinVar:

NM_174934.4(SCN4B):c.55_56delinsGA (p.Leu19Asp)

Gene: SCN4B (sodium voltage-gated channel beta subunit 4; minus strand). Cytogenetic location: 11q23.3.
Variant type: Indel.
Coding change: c.55_56delinsGA on transcript NM_174934.4 (MANE Select); coding-DNA positions 55 to 56, CT replaced by GA.
Protein change: p.Leu19Asp; replaces leucine 19 with aspartic acid.
Molecular consequence: missense variant.
Genome position (GRCh38, 1-based): chr11:118,152,618-118,152,619, AG replaced by TC on the plus strand (CT replaced by GA on the coding strand, the reverse complement: SCN4B is on the minus strand). VCF-style: chr11-118152618-AG-TC. GRCh37 (hg19) VCF-style: chr11-118023333-AG-TC.
Other names: c.55_56delinsGA, p.Leu19Asp (NM_001142348.2); short protein forms L19D.
Identifiers: ClinVar variation 1747975 (VCV001747975.2), dbSNP rs2497579365, ClinGen allele CA2580083565.

ClinVar aggregate classification (germline): Uncertain significance (1 of 4 stars; one submission).

Conditions:
Cardiovascular phenotype. Identifiers: MedGen CN230736.

Submission:

Ambry Genetics
Classification: Uncertain significance for Cardiovascular phenotype. Last evaluated: 2019-01-24. Review status: criteria provided, single submitter. Criteria: Ambry Variant Classification Scheme 2023. Collection method: clinical testing. Allele origin: germline.
Comment: The c.55_56delCTinsGA variant, located in coding exon 1 of the SCN4B gene, results from an in-frame deletion of CT and insertion of GA at nucleotide positions 55 to 56. This results in the substitution of the leucine residue for an aspartic acid residue at codon 19, an amino acid with highly dissimilar properties. This amino acid position is highly conserved in available vertebrate species. Since supporting evidence is limited at this time, the clinical significance of this alteration remains unclear.